The following is an entry in ClinVar:

NM_000218.3(KCNQ1):c.1043_1054delinsCA (p.Gly348fs)

Gene: KCNQ1 (potassium voltage-gated channel subfamily Q member 1; plus strand). Cytogenetic location: 11p15.5.
Variant type: Indel.
Coding change: c.1043_1054delinsCA on transcript NM_000218.3 (MANE Select); coding-DNA positions 1043 to 1054, GCTCGGGGTTTG replaced by CA.
Protein change: p.Gly348fs; shifts the reading frame from glycine 348.
Molecular consequence: frameshift variant.
Genome position (GRCh38, 1-based): chr11:2,585,222-2,585,233, GCTCGGGGTTTG replaced by CA. VCF-style: chr11-2585222-GCTCGGGGTTTG-CA. GRCh37 (hg19) VCF-style: chr11-2606452-GCTCGGGGTTTG-CA.
Other names: c.1043_1054delGCTCGGGGTTTGinsCA, p.Gly348Alafs (NM_000218.2); c.773_784delGCTCGGGGTTTGinsCA, p.Gly258Alafs (NM_001406837.1); c.662_673delGCTCGGGGTTTGinsCA, p.Gly221Alafs (NM_181798.2); short protein forms G221fs, G348fs.
Identifiers: ClinVar variation 919956 (VCV000919956.6), dbSNP rs1848574802, ClinGen allele CA913188344.
Genomic context (GRCh38, chr11:2,585,222, plus strand): 5'-AGCTGGCAGTGGCCTGTGTGGACGGGAGCCTCCTGTCCATTCCTTCCCAGGGGATTCTTG[GCTCGGGGTTTG>CA]CCCTGAAGGTGCAGCAGAAGCAGAGGCAGAAGCACTTCAACCGGCAGATCCCGGCGGCAG-3'

ClinVar aggregate classification (germline): Pathogenic (1 of 4 stars; one submission).

Conditions:
Cardiac arrhythmia. Also called: Cardiac rhythm disease; Arrhythmia. Identifiers: MedGen C0003811, MONDO:0007263, HP:0011675.

Submission:

Color Diagnostics, LLC DBA Color Health
Classification: Pathogenic for Cardiac arrhythmia. Last evaluated: 2019-02-08. Review status: criteria provided, single submitter. Criteria: ACMG Guidelines, 2015. Collection method: clinical testing. Allele origin: germline.
Comment: This variant replaces 12 nucleotides with 2 new nucleotides in exon 8 of the KCNQ1 gene, creating a frameshift and premature translation stop signal. This variant is expected to result in an absent or non-functional protein product. To our knowledge, functional assays have not been performed for this variant nor has this variant been reported in individuals affected with cardiovascular disorders in the literature. This variant has not been identified in the general population by the Genome Aggregation Database (gnomAD). Loss of KCNQ1 function is a known mechanism of disease. Based on available evidence, this variant is classified as Pathogenic.